The following is an entry in ClinVar:

NM_000551.4(VHL):c.325A>G (p.Ile109Val)

Gene: VHL (von Hippel-Lindau tumor suppressor; plus strand). Cytogenetic location: 3p25.3.
Variant type: single nucleotide variant.
Coding change: c.325A>G on transcript NM_000551.4 (MANE Select); coding-DNA position 325, A replaced by G.
Protein change: p.Ile109Val; replaces isoleucine 109 with valine.
Molecular consequence: missense variant. On other transcripts: non-coding transcript variant (1).
Genome position (GRCh38, 1-based): chr3:10,142,172, A>G. VCF-style: chr3-10142172-A-G. GRCh37 (hg19) VCF-style: chr3-10183856-A-G.
Other names: c.325A>G, p.Ile109Val (NM_001354723.2, NM_198156.3); short protein forms I109V.
Identifiers: ClinVar variation 2583006 (VCV002583006.25), dbSNP rs1696140233, ClinGen allele CA351751254.

ClinVar aggregate classification (germline): Uncertain significance (1 of 4 stars; one submission).

Submission:

CeGaT Center for Human Genetics Tuebingen
Classification: Uncertain significance. Last evaluated: 2023-09-01. Review status: criteria provided, single submitter. Criteria: CeGaT Center For Human Genetics Tuebingen Variant Classification Criteria Version 2. Collection method: clinical testing. Allele origin: germline. Affected: yes. Observed: 1 variant allele.
Comment: VHL: PM2, PP3